The following is an entry in ClinVar:

ClinVar aggregate classification (germline): Benign. Review status: criteria provided, multiple submitters, no conflicts (2 of 4 stars). 7 submissions from 7 submitters: Benign (7). Last evaluated 2026-02-04.

Conditions:
Autosomal dominant popliteal pterygium syndrome. Also called: CLEFT LIP/PALATE, PARAMEDIAN MUCOUS CYSTS OF THE LOWER LIP, POPLITEAL PTERYGIUM, DIGITAL AND GENITAL ANOMALIES; FACIOGENITOPOPLITEAL SYNDROME; Popliteal Pterygium Syndrome (PPS). Identifiers: Orphanet 1300, MedGen C5848052, MONDO:0007334, OMIM 119500.
Orofacial cleft 6, susceptibility to (OFC6). Also called: CLEFT LIP WITH OR WITHOUT CLEFT PALATE, NONSYNDROMIC, 6. Identifiers: MedGen C1837213, MONDO:0012141, OMIM 608864.
Popliteal pterygium syndrome (PPS). Identifiers: Orphanet 294963, MedGen C0265259, MONDO:0017435.
Van der Woude syndrome. Identifiers: Orphanet 888, MedGen C0175697, MONDO:0019508.
Van der Woude syndrome 1. Also called: CLEFT LIP AND/OR PALATE WITH MUCOUS CYSTS OF LOWER LIP; van der Woude Syndrome (VWS). Identifiers: MedGen C4551864, MONDO:0007333, OMIM 119300.

Allele frequency attached by ClinVar (database versions not stated): 1000 Genomes Project 30x 0.26952; 1000 Genomes Project 0.27097; TOPMed 0.31344; gnomAD 0.31952 and 0.32118; gnomAD exomes 0.32227; ExAC 0.32601; ESP Exome Variant Server 0.33054.
gnomAD v4.1: 556,808 of 1,609,454 alleles (35%); highest among the groups gnomAD compares: Non-Finnish European, 36%; 98,133 homozygotes.

Submissions (20):

Labcorp Genetics (formerly Invitae), Labcorp
Classification: Benign for Orofacial cleft 6, susceptibility to; Van der Woude syndrome; Popliteal pterygium syndrome. Last evaluated: 2026-02-04. Review status: criteria provided, single submitter. Criteria: Invitae Variant Classification Sherloc (09022015). Collection method: clinical testing. Allele origin: germline.

Blueprint Genetics
Classification: Benign. Last evaluated: 2024-11-26. Review status: criteria provided, single submitter. Criteria: ACMG Guidelines, 2015. Collection method: clinical testing. Allele origin: germline.

Genome-Nilou Lab
Classification: Benign for Autosomal dominant popliteal pterygium syndrome. Last evaluated: 2021-08-19. Review status: criteria provided, single submitter. Criteria: ACMG Guidelines, 2015. Collection method: clinical testing. Allele origin: germline. Affected: no.

Illumina Laboratory Services, Illumina
Classification: Benign for Van der Woude syndrome 1. Last evaluated: 2017-04-27. Review status: criteria provided, single submitter. Criteria: ICSL Variant Classification Criteria 13 December 2019. Collection method: clinical testing. Allele origin: germline.
Comment: This variant was observed as part of a predisposition screen in an ostensibly healthy population. A literature search was performed for the gene, cDNA change, and amino acid change (where applicable). Publications were found based on this search. The evidence from the literature, in combination with allele frequency data from public databases where available, was sufficient to rule this variant out of causing disease. Therefore, this variant is classified as benign.

GeneDx
Classification: Benign. Last evaluated: 2015-03-03. Review status: criteria provided, single submitter. Criteria: GeneDx Variant Classification Process June 2021. Collection method: clinical testing. Allele origin: germline. Affected: yes.

Breakthrough Genomics
Classification: Benign. Review status: criteria provided, single submitter. Criteria: ACMG Guidelines, 2015. Collection method: not provided. Allele origin: germline. Inheritance: Autosomal dominant inheritance. Affected: yes.

PreventionGenetics, part of Exact Sciences
Classification: Benign. Review status: criteria provided, single submitter. Criteria: ACMG Guidelines, 2015. Collection method: clinical testing. Allele origin: germline.

Dr. Peter K. Rogan Lab, Western University
No classification provided (evidence only). Condition: Hepatocellular carcinoma. Review status: no classification provided. Collection method: in vitro. Allele origin: not applicable. Functional consequence: retained intron. Not counted in ClinVar's aggregate classification.

Dr. Peter K. Rogan Lab, Western University
No classification provided (evidence only). Condition: Hepatocellular carcinoma. Review status: no classification provided. Collection method: in vitro. Allele origin: not applicable. Functional consequence: retained intron. Not counted in ClinVar's aggregate classification.

Dr. Peter K. Rogan Lab, Western University
No classification provided (evidence only). Condition: Hepatocellular carcinoma. Review status: no classification provided. Collection method: in vitro. Allele origin: not applicable. Functional consequence: retained intron. Not counted in ClinVar's aggregate classification.

Dr. Peter K. Rogan Lab, Western University
No classification provided (evidence only). Condition: Hepatocellular carcinoma. Review status: no classification provided. Collection method: in vitro. Allele origin: not applicable. Functional consequence: retained intron. Not counted in ClinVar's aggregate classification.

Dr. Peter K. Rogan Lab, Western University
No classification provided (evidence only). Condition: Hepatocellular carcinoma. Review status: no classification provided. Collection method: in vitro. Allele origin: not applicable. Functional consequence: retained intron. Not counted in ClinVar's aggregate classification.

Dr. Peter K. Rogan Lab, Western University
No classification provided (evidence only). Condition: Hepatocellular carcinoma. Review status: no classification provided. Collection method: in vitro. Allele origin: not applicable. Functional consequence: retained intron. Not counted in ClinVar's aggregate classification.

Dr. Peter K. Rogan Lab, Western University
No classification provided (evidence only). Condition: Familial cancer of breast. Review status: no classification provided. Collection method: in vitro. Allele origin: not applicable. Functional consequence: retained intron. Not counted in ClinVar's aggregate classification.

Dr. Peter K. Rogan Lab, Western University
No classification provided (evidence only). Condition: Familial cancer of breast. Review status: no classification provided. Collection method: in vitro. Allele origin: not applicable. Functional consequence: retained intron. Not counted in ClinVar's aggregate classification.

Dr. Peter K. Rogan Lab, Western University
No classification provided (evidence only). Condition: Hepatocellular carcinoma. Review status: no classification provided. Collection method: in vitro. Allele origin: not applicable. Functional consequence: retained intron. Not counted in ClinVar's aggregate classification.

Dr. Peter K. Rogan Lab, Western University
No classification provided (evidence only). Condition: Hepatocellular carcinoma. Review status: no classification provided. Collection method: in vitro. Allele origin: not applicable. Functional consequence: retained intron. Not counted in ClinVar's aggregate classification.

Dr. Peter K. Rogan Lab, Western University
No classification provided (evidence only). Condition: Hepatocellular carcinoma. Review status: no classification provided. Collection method: in vitro. Allele origin: not applicable. Functional consequence: retained intron. Not counted in ClinVar's aggregate classification.

Dr. Peter K. Rogan Lab, Western University
No classification provided (evidence only). Condition: Hepatocellular carcinoma. Review status: no classification provided. Collection method: in vitro. Allele origin: not applicable. Functional consequence: retained intron. Not counted in ClinVar's aggregate classification.

Dr. Peter K. Rogan Lab, Western University
No classification provided (evidence only). Condition: Hepatocellular carcinoma. Review status: no classification provided. Collection method: in vitro. Allele origin: not applicable. Functional consequence: retained intron. Not counted in ClinVar's aggregate classification.

Literature cited by the submitters: PubMed 17551329 (cited by Illumina Laboratory Services, Illumina).

NM_006147.4(IRF6):c.175-5C>G

Gene: IRF6 (interferon regulatory factor 6; minus strand). Cytogenetic location: 1q32.2.
Variant type: single nucleotide variant.
Coding change: c.175-5C>G on transcript NM_006147.4 (MANE Select); 5 bases into the intron before coding-DNA position 175, C replaced by G.
Molecular consequence: intron variant.
Genome position (GRCh38, 1-based): chr1:209,796,557, G>C on the plus strand (C>G on the coding strand, the complement: IRF6 is on the minus strand). VCF-style: chr1-209796557-G-C. GRCh37 (hg19) VCF-style: chr1-209969902-G-C.
Other names: c.-111-5C>G (NM_001206696.2).
Identifiers: ClinVar variation 259923 (VCV000259923.21), dbSNP rs7552506, ClinGen allele CA1377376.
Genomic context (GRCh38, chr1:209,796,557, plus strand): 5'-GCTGGGTCAGGGTCATCCACCCCTTCCTGGTACTTCCCTGTCTCTACAGCCCAGGCCTGA[G>C]AACAAGAAACCACAGTGAGTCCTATCATTGCCCAGAGCCACTGCAAAGCATGTGCTTACC-3'